The following is an entry in ClinVar:

ClinVar aggregate classification (germline): Uncertain significance (1 of 4 stars; one submission).

Allele frequency attached by ClinVar (database versions not stated): gnomAD exomes below 0.00001; TOPMed below 0.00001; gnomAD 0.00001.
gnomAD v4.1: 5 of 1,613,956 alleles (0.00031%); highest among the groups gnomAD compares: South Asian, 0.0011%; no homozygotes.

Submission:

Labcorp Genetics (formerly Invitae), Labcorp
Classification: Uncertain significance. Last evaluated: 2025-10-09. Review status: criteria provided, single submitter. Criteria: Invitae Variant Classification Sherloc (09022015). Collection method: clinical testing. Allele origin: germline.
Comment: This sequence change replaces arginine, which is basic and polar, with histidine, which is basic and polar, at codon 667 of the CTR9 protein (p.Arg667His). This variant is present in population databases (rs753928657, gnomAD 0.003%). This variant has not been reported in the literature in individuals affected with CTR9-related conditions. ClinVar contains an entry for this variant (Variation ID: 1037903). An algorithm developed to predict the effect of missense changes on protein structure and function (PolyPhen-2) suggests that this variant is likely to be disruptive. In summary, the available evidence is currently insufficient to determine the role of this variant in disease. Therefore, it has been classified as a Variant of Uncertain Significance.

NM_014633.5(CTR9):c.2000G>A (p.Arg667His)

Gene: CTR9 (CTR9 component of Paf1/RNA polymerase II complex; plus strand). Cytogenetic location: 11p15.4.
Variant type: single nucleotide variant.
Coding change: c.2000G>A on transcript NM_014633.5 (MANE Select); coding-DNA position 2000, G replaced by A.
Protein change: p.Arg667His; replaces arginine 667 with histidine.
Molecular consequence: missense variant.
Genome position (GRCh38, 1-based): chr11:10,768,382, G>A. VCF-style: chr11-10768382-G-A. GRCh37 (hg19) VCF-style: chr11-10789929-G-A.
Other names: c.2000G>A, p.Arg667His (NM_001346279.2); short protein forms R667H.
Identifiers: ClinVar variation 1037903 (VCV001037903.8), dbSNP rs753928657, ClinGen allele CA217708744.
Genomic context (GRCh38, chr11:10,768,382, plus strand): 5'-TGAACCTTTTTATATCTTTAGGAGCTGTTTTGGCCCACAAAGGATATTTTCGTGAAGCTC[G>A]TGATGTATTTGCCCAAGTAAGAGAAGCAACAGCAGATATTAGTGATGTGTGGCTGAACTT-3'
Protein context (NP_055448.1, residues 657-677): LAHKGYFREA[Arg667His]DVFAQVREAT